The following is an entry in ClinVar:

NM_001127644.2(GABRA1):c.374A>G (p.Asp125Gly)

Gene: GABRA1 (gamma-aminobutyric acid type A receptor subunit alpha1; plus strand). Cytogenetic location: 5q34.
Variant type: single nucleotide variant.
Coding change: c.374A>G on transcript NM_001127644.2 (MANE Select); coding-DNA position 374, A replaced by G.
Protein change: p.Asp125Gly; replaces aspartic acid 125 with glycine.
Molecular consequence: missense variant.
Genome position (GRCh38, 1-based): chr5:161,873,235, A>G. VCF-style: chr5-161873235-A-G. GRCh37 (hg19) VCF-style: chr5-161300241-A-G.
Other names: c.374A>G, p.Asp125Gly (NM_000806.5, NM_001127643.2, NM_001127645.2 and 1 more transcripts); short protein forms D125G.
Identifiers: ClinVar variation 1481632 (VCV001481632.8), dbSNP rs2113381253, ClinGen allele CA362178933.

ClinVar aggregate classification (germline): Uncertain significance (1 of 4 stars; one submission).

Conditions:
Epilepsy, idiopathic generalized, susceptibility to, 13. Also called: EPILEPSY, JUVENILE MYOCLONIC, SUSCEPTIBILITY TO, 5. Identifiers: Orphanet 307, Orphanet 64280, MedGen C4013473, MONDO:0012627, OMIM 611136.
Idiopathic generalized epilepsy. Also called: Generalised epilepsy; EIG. Identifiers: MedGen C0270850, MONDO:0005579, OMIM 600669.
Epilepsy, childhood absence 4 (ECA4). Also called: EPILEPSY, CHILDHOOD ABSENCE, SUSCEPTIBILITY TO, 4. Identifiers: Orphanet 307, MedGen C1970160.

Submission:

Labcorp Genetics (formerly Invitae), Labcorp
Classification: Uncertain significance for Epilepsy, childhood absence 4; Epilepsy, idiopathic generalized, susceptibility to, 13; Idiopathic generalized epilepsy. Last evaluated: 2020-11-05. Review status: criteria provided, single submitter. Criteria: Invitae Variant Classification Sherloc (09022015). Collection method: clinical testing. Allele origin: germline.
Comment: This sequence change replaces aspartic acid with glycine at codon 125 of the GABRA1 protein (p.Asp125Gly). The aspartic acid residue is highly conserved and there is a moderate physicochemical difference between aspartic acid and glycine. This variant is not present in population databases (ExAC no frequency). This variant has not been reported in the literature in individuals with GABRA1-related conditions. Algorithms developed to predict the effect of missense changes on protein structure and function (SIFT, PolyPhen-2, Align-GVGD) all suggest that this variant is likely to be disruptive, but these predictions have not been confirmed by published functional studies and their clinical significance is uncertain. In summary, the available evidence is currently insufficient to determine the role of this variant in disease. Therefore, it has been classified as a Variant of Uncertain Significance.